The following is an entry in ClinVar:

ClinVar aggregate classification (germline): Uncertain significance (1 of 4 stars; one submission).

Allele frequency attached by ClinVar (database versions not stated): TOPMed 0.00002.
gnomAD v4.1: 6 of 1,610,856 alleles (0.00037%); highest among the groups gnomAD compares: Non-Finnish European, 0.00051%; no homozygotes.

Submission:

Labcorp Genetics (formerly Invitae), Labcorp
Classification: Uncertain significance. Last evaluated: 2022-09-27. Review status: criteria provided, single submitter. Criteria: Invitae Variant Classification Sherloc (09022015). Collection method: clinical testing. Allele origin: germline.
Comment: This sequence change replaces asparagine, which is neutral and polar, with tyrosine, which is neutral and polar, at codon 278 of the DARS protein (p.Asn278Tyr). This variant is present in population databases (no rsID available, gnomAD 0.0009%). This variant has not been reported in the literature in individuals affected with DARS-related conditions. Advanced modeling of protein sequence and biophysical properties (such as structural, functional, and spatial information, amino acid conservation, physicochemical variation, residue mobility, and thermodynamic stability) performed at Invitae indicates that this missense variant is not expected to disrupt DARS protein function. In summary, the available evidence is currently insufficient to determine the role of this variant in disease. Therefore, it has been classified as a Variant of Uncertain Significance.

NM_001349.4(DARS1):c.832A>T (p.Asn278Tyr)

Gene: DARS1 (aspartyl-tRNA synthetase 1; minus strand). Cytogenetic location: 2q21.3.
Variant type: single nucleotide variant.
Coding change: c.832A>T on transcript NM_001349.4 (MANE Select); coding-DNA position 832, A replaced by T.
Protein change: p.Asn278Tyr; replaces asparagine 278 with tyrosine.
Molecular consequence: missense variant.
Genome position (GRCh38, 1-based): chr2:135,920,580, T>A on the plus strand (A>T on the coding strand, the complement: DARS1 is on the minus strand). VCF-style: chr2-135920580-T-A. GRCh37 (hg19) VCF-style: chr2-136678150-T-A.
Other names: c.532A>T, p.Asn178Tyr (NM_001293312.1); short protein forms N278Y, N178Y.
Identifiers: ClinVar variation 1928471 (VCV001928471.2), dbSNP rs771004104, ClinGen allele CA348650896.
Genomic context (GRCh38, chr2:135,920,580, plus strand): 5'-GGTAATTAAAAGCCATTTCAATGTCCAAACCAACAAACTCAGTTAGATGTCTATGGGTAT[T>A]AGAGTCTTCCGCTCTGAATACTGTGAAGTTAATAAAAGAAATAGAGAGCAAACACTGATT-3'
Protein context (NP_001340.2, residues 268-288): IGPVFRAEDS[Asn278Tyr]THRHLTEFVG